The following is an entry in ClinVar:

ClinVar aggregate classification (germline): Uncertain significance. Review status: criteria provided, multiple submitters, no conflicts (2 of 4 stars). 2 submissions from 2 submitters: Uncertain significance (2). Last evaluated 2025-11-11.

Conditions:
Hereditary cancer-predisposing syndrome. Also called: Neoplastic Syndromes, Hereditary; Hereditary Cancer Syndrome; Hereditary neoplastic syndrome; Tumor predisposition. Identifiers: Orphanet 140162, MedGen C0027672, MeSH D009386, MONDO:0015356.

Submissions (2):

Labcorp Genetics (formerly Invitae), Labcorp
Classification: Uncertain significance. Last evaluated: 2025-11-11. Review status: criteria provided, single submitter. Criteria: Invitae Variant Classification Sherloc (09022015). Collection method: clinical testing. Allele origin: germline.
Comment: This sequence change replaces glutamic acid, which is acidic and polar, with lysine, which is basic and polar, at codon 1962 of the POLE protein (p.Glu1962Lys). This variant is not present in population databases (gnomAD no frequency). This variant has not been reported in the literature in individuals affected with POLE-related conditions. ClinVar contains an entry for this variant (Variation ID: 2111803). An algorithm developed to predict the effect of missense changes on protein structure and function (PolyPhen-2) suggests that this variant is likely to be tolerated. In summary, the available evidence is currently insufficient to determine the role of this variant in disease. Therefore, it has been classified as a Variant of Uncertain Significance.

Ambry Genetics
Classification: Uncertain significance for Hereditary cancer-predisposing syndrome. Last evaluated: 2024-10-25. Review status: criteria provided, single submitter. Criteria: Ambry Variant Classification Scheme 2023. Collection method: clinical testing. Allele origin: germline.
Comment: The p.E1962K variant (also known as c.5884G>A), located in coding exon 43 of the POLE gene, results from a G to A substitution at nucleotide position 5884. The glutamic acid at codon 1962 is replaced by lysine, an amino acid with similar properties. This amino acid position is conserved. In addition, this alteration is predicted to be tolerated by in silico analysis. Based on the available evidence, the clinical significance of this variant remains unclear.

NM_006231.4(POLE):c.5884G>A (p.Glu1962Lys)

Gene: POLE (DNA polymerase epsilon, catalytic subunit; minus strand). Cytogenetic location: 12q24.33.
Variant type: single nucleotide variant.
Coding change: c.5884G>A on transcript NM_006231.4 (MANE Select); coding-DNA position 5884, G replaced by A.
Protein change: p.Glu1962Lys; replaces glutamic acid 1962 with lysine.
Molecular consequence: missense variant.
Genome position (GRCh38, 1-based): chr12:132,634,306, C>T on the plus strand (G>A on the coding strand, the complement: POLE is on the minus strand). VCF-style: chr12-132634306-C-T. GRCh37 (hg19) VCF-style: chr12-133210892-C-T.
Other names: c.5884G>A (NM_006231.2); short protein forms E1962K.
Identifiers: ClinVar variation 2111803 (VCV002111803.5), dbSNP rs2541860132, ClinGen allele CA387371674.